The following is an entry in ClinVar:

NM_001273.5(CHD4):c.3331C>T (p.Arg1111Cys)

Gene: CHD4 (chromodomain helicase DNA binding protein 4; minus strand). Cytogenetic location: 12p13.31.
Variant type: single nucleotide variant.
Coding change: c.3331C>T on transcript NM_001273.5 (MANE Select); coding-DNA position 3331, C replaced by T.
Protein change: p.Arg1111Cys; replaces arginine 1111 with cysteine.
Molecular consequence: missense variant.
Genome position (GRCh38, 1-based): chr12:6,591,475, G>A on the plus strand (C>T on the coding strand, the complement: CHD4 is on the minus strand). VCF-style: chr12-6591475-G-A. GRCh37 (hg19) VCF-style: chr12-6700641-G-A.
Other names: c.3310C>T, p.Arg1104Cys (NM_001297553.2); c.3292C>T, p.Arg1098Cys (NM_001363606.2); short protein forms R1104C, R1111C, R1098C.
Identifiers: ClinVar variation 5034502 (VCV005034502.1).
Genomic context (GRCh38, chr12:6,591,475, plus strand): 5'-AGATATAAGCAAATGAGGATTCCTGAAACTAAACAACTCCTTCTCTCTCACCATTGAAGC[G>A]GTCAATGGCCTCTTGCCGCATGTTCCCAGTGATTCCACCATCGATGCGTTCGTATTTATA-3'
Protein context (NP_001264.2, residues 1101-1121): TGNMRQEAID[Arg1111Cys]FNAPGAQQFC

ClinVar aggregate classification (germline): Uncertain significance (1 of 4 stars; one submission).

Conditions:
Inborn genetic diseases. Identifiers: MedGen C0950123, MeSH D030342.

gnomAD v4.1: 1 of 1,612,048 alleles (0.000062%); no homozygotes.

Submission:

Ambry Genetics
Classification: Uncertain significance for Inborn genetic diseases. Last evaluated: 2026-08-17. Review status: criteria provided, single submitter. Criteria: Ambry Variant Classification Scheme 2023. Collection method: clinical testing. Allele origin: germline.
Comment: The c.3331C>T (p.R1111C) alteration is located in exon 22 (coding exon 21) of the CHD4 gene. This alteration results from a C to T substitution at nucleotide position 3331, causing the arginine (R) at amino acid position 1111 to be replaced by a cysteine (C). This variant was not reported in population-based cohorts in the Genome Aggregation Database (gnomAD). This amino acid position is highly conserved in available vertebrate species. This missense variant is located in a region that has a low rate of benign missense variation (Lek, 2016; Firth, 2009). This alteration is predicted to be deleterious by in silico analysis. Based on insufficient or conflicting evidence, the clinical significance of this alteration remains unclear.